The following is an entry in ClinVar:

NM_001009944.3(PKD1):c.359+1G>A

Gene: PKD1 (polycystin 1, transient receptor potential channel interacting; minus strand). Cytogenetic location: 16p13.3.
Variant type: single nucleotide variant.
Coding change: c.359+1G>A on transcript NM_001009944.3 (MANE Select); the canonical splice donor site of the intron after coding-DNA position 359, G replaced by A.
Molecular consequence: splice donor variant.
Genome position (GRCh38, 1-based): chr16:2,119,113, C>T on the plus strand (G>A on the coding strand, the complement: PKD1 is on the minus strand). VCF-style: chr16-2119113-C-T. GRCh37 (hg19) VCF-style: chr16-2169114-C-T.
Other names: c.359+1G>A (NM_000296.4).
Identifiers: ClinVar variation 4683084 (VCV004683084.1).
Genomic context (GRCh38, chr16:2,119,113, plus strand): 5'-CAGAAGGGATATTGGGGGCCTGGGGTCCAGCCAGGACCCCACCCAAAGAACCACAACTTA[C>T]ATTTCACTTAAATTAAATAAATTAGCAAATATTCCTTCTTCTAACGTAGAAATCTTGTTG-3'

ClinVar aggregate classification (germline): Pathogenic (1 of 4 stars; one submission).

Conditions:
Polycystic kidney disease, adult type (PKD1). Also called: Polycystic Kidney, Autosomal Dominant; Polycystic Kidney Disease 1, Autosomal Dominant; Polycystic kidney disease 1; Polycystic kidney disease 1, severe; POLYCYSTIC KIDNEY DISEASE, ADULT, TYPE I; POLYCYSTIC KIDNEY DISEASE 1 WITH OR WITHOUT POLYCYSTIC LIVER DISEASE. Identifiers: MedGen C3149841, MONDO:0008263, OMIM 173900.

Submission:

Institute of Human Genetics, University of Leipzig Medical Center
Classification: Pathogenic for Polycystic kidney disease, adult type. Last evaluated: 2025-12-03. Review status: criteria provided, single submitter. Criteria: ACMG Guidelines, 2015. Collection method: clinical testing. Allele origin: unknown. Inheritance: Autosomal dominant inheritance. Affected: yes.
Comment: Criteria applied: PVS1_STR,PS1,PS4_MOD,PM2